The following is an entry in ClinVar:

NM_000326.5(RLBP1):c.277A>G (p.Ser93Gly)

Gene: RLBP1 (retinaldehyde binding protein 1; minus strand). Cytogenetic location: 15q26.1.
Variant type: single nucleotide variant.
Coding change: c.277A>G on transcript NM_000326.5 (MANE Select); coding-DNA position 277, A replaced by G.
Protein change: p.Ser93Gly; replaces serine 93 with glycine.
Molecular consequence: missense variant.
Genome position (GRCh38, 1-based): chr15:89,217,189, T>C on the plus strand (A>G on the coding strand, the complement: RLBP1 is on the minus strand). VCF-style: chr15-89217189-T-C. GRCh37 (hg19) VCF-style: chr15-89760420-T-C.
Other names: short protein forms S93G.
Identifiers: ClinVar variation 964203 (VCV000964203.8), dbSNP rs369763591, ClinGen allele CA7722338.

ClinVar aggregate classification (germline): Uncertain significance. Review status: criteria provided, multiple submitters, no conflicts (2 of 4 stars). 2 submissions from 2 submitters: Uncertain significance (2). Last evaluated 2024-07-10.

Allele frequency attached by ClinVar (database versions not stated): ExAC 0.00002; TOPMed 0.00002; gnomAD 0.00003; ESP Exome Variant Server 0.00008.
gnomAD v4.1: 88 of 1,613,916 alleles (0.0055%); highest among the groups gnomAD compares: Non-Finnish European, 0.0069%; 1 homozygote.

Submissions (2):

Blueprint Genetics
Classification: Uncertain significance. Last evaluated: 2024-07-10. Review status: criteria provided, single submitter. Criteria: ACMG Guidelines, 2015. Collection method: clinical testing. Allele origin: germline.

Labcorp Genetics (formerly Invitae), Labcorp
Classification: Uncertain significance. Last evaluated: 2022-06-14. Review status: criteria provided, single submitter. Criteria: Invitae Variant Classification Sherloc (09022015). Collection method: clinical testing. Allele origin: germline.
Comment: This sequence change replaces serine, which is neutral and polar, with glycine, which is neutral and non-polar, at codon 93 of the RLBP1 protein (p.Ser93Gly). This variant is present in population databases (rs369763591, gnomAD 0.006%). This variant has not been reported in the literature in individuals affected with RLBP1-related conditions. ClinVar contains an entry for this variant (Variation ID: 964203). Algorithms developed to predict the effect of missense changes on protein structure and function (SIFT, PolyPhen-2, Align-GVGD) all suggest that this variant is likely to be tolerated. In summary, the available evidence is currently insufficient to determine the role of this variant in disease. Therefore, it has been classified as a Variant of Uncertain Significance.